The following is an entry in ClinVar:

ClinVar aggregate classification (germline): Uncertain significance (1 of 4 stars; one submission).

Conditions:
Early-onset Parkinson disease 20. Also called: PARKINSON DISEASE 20, AUTOSOMAL RECESSIVE EARLY-ONSET. Identifiers: Orphanet 391411, MedGen C3809824, MONDO:0014233, OMIM 615530.
Developmental and epileptic encephalopathy, 53. Also called: Epileptic encephalopathy, early infantile, 53. Identifiers: MedGen C4479313, MONDO:0033362, OMIM 617389.

Allele frequency attached by ClinVar (database versions not stated): gnomAD exomes below 0.00001; ExAC 0.00001.
gnomAD v4.1: 1 of 1,613,520 alleles (0.000062%); highest among the groups gnomAD compares: Admixed American, 0.0017%; no homozygotes.

Submission:

Labcorp Genetics (formerly Invitae), Labcorp
Classification: Uncertain significance for Developmental and epileptic encephalopathy, 53; Early-onset Parkinson disease 20. Last evaluated: 2021-09-24. Review status: criteria provided, single submitter. Criteria: Invitae Variant Classification Sherloc (09022015). Collection method: clinical testing. Allele origin: germline.
Comment: This sequence change replaces alanine with threonine at codon 434 of the SYNJ1 protein (p.Ala434Thr). The alanine residue is moderately conserved and there is a small physicochemical difference between alanine and threonine. This variant is present in population databases (rs746354059, ExAC 0.009%). This variant has not been reported in the literature in individuals with SYNJ1-related conditions. Algorithms developed to predict the effect of missense changes on protein structure and function are either unavailable or do not agree on the potential impact of this missense change (SIFT: "Tolerated"; PolyPhen-2: "Possibly Damaging"; Align-GVGD: "Class C0"). In summary, the available evidence is currently insufficient to determine the role of this variant in disease. Therefore, it has been classified as a Variant of Uncertain Significance.

NM_203446.3(SYNJ1):c.1183G>A (p.Ala395Thr)

Gene: SYNJ1 (synaptojanin 1; minus strand). Cytogenetic location: 21q22.11.
Variant type: single nucleotide variant.
Coding change: c.1183G>A on transcript NM_203446.3 (MANE Select); coding-DNA position 1183, G replaced by A.
Protein change: p.Ala395Thr; replaces alanine 395 with threonine.
Molecular consequence: missense variant.
Genome position (GRCh38, 1-based): chr21:32,684,055, C>T on the plus strand (G>A on the coding strand, the complement: SYNJ1 is on the minus strand). VCF-style: chr21-32684055-C-T. GRCh37 (hg19) VCF-style: chr21-34056365-C-T.
Other names: c.1183G>A, p.Ala395Thr (NM_001160302.2, NM_001160306.2); c.1300G>A, p.Ala434Thr (NM_003895.4); short protein forms A395T, A434T.
Identifiers: ClinVar variation 1339951 (VCV001339951.9), dbSNP rs746354059, ClinGen allele CA10003955.
Genomic context (GRCh38, chr21:32,684,055, plus strand): 5'-GGCAGATGATACAAGGCACATACATTTTAATTTATTCTTTTACCTCTAAGCCAAGAAATG[C>T]CTGCACACTATTTGTTCTATCAAGACAATCCAAGCAGTTTGTTCGAACTGTACCACTCTG-3'
Protein context (NP_982271.3, residues 385-405): DCLDRTNSVQ[Ala395Thr]FLGLEMLAKQ